The following is an entry in ClinVar:

NM_001378457.1(DMXL2):c.1895C>G (p.Ser632Cys)

Gene: DMXL2 (Dmx like 2; minus strand). Cytogenetic location: 15q21.2.
Variant type: single nucleotide variant.
Coding change: c.1895C>G on transcript NM_001378457.1 (MANE Select); coding-DNA position 1895, C replaced by G.
Protein change: p.Ser632Cys; replaces serine 632 with cysteine.
Molecular consequence: missense variant. On other transcripts: non-coding transcript variant (2).
Genome position (GRCh38, 1-based): chr15:51,536,585, G>C on the plus strand (C>G on the coding strand, the complement: DMXL2 is on the minus strand). VCF-style: chr15-51536585-G-C. GRCh37 (hg19) VCF-style: chr15-51828782-G-C.
Other names: c.1895C>G, p.Ser632Cys (NM_001174116.3, NM_001174117.3, NM_001378458.1 and 6 more transcripts); c.1655C>G, p.Ser552Cys (NM_001378464.1); short protein forms S552C, S632C.
Identifiers: ClinVar variation 1359936 (VCV001359936.5), dbSNP rs147376349, ClinGen allele CA392467212.

ClinVar aggregate classification (germline): Uncertain significance (1 of 4 stars; one submission).

Allele frequency attached by ClinVar (database versions not stated): TOPMed below 0.00001.
gnomAD v4.1: 1 of 1,614,026 alleles (0.000062%); no homozygotes.

Submission:

Labcorp Genetics (formerly Invitae), Labcorp
Classification: Uncertain significance. Last evaluated: 2024-10-03. Review status: criteria provided, single submitter. Criteria: Invitae Variant Classification Sherloc (09022015). Collection method: clinical testing. Allele origin: germline.
Comment: This sequence change replaces serine, which is neutral and polar, with cysteine, which is neutral and slightly polar, at codon 632 of the DMXL2 protein (p.Ser632Cys). This variant is not present in population databases (gnomAD no frequency). This variant has not been reported in the literature in individuals affected with DMXL2-related conditions. ClinVar contains an entry for this variant (Variation ID: 1359936). An algorithm developed to predict the effect of missense changes on protein structure and function (PolyPhen-2) suggests that this variant is likely to be disruptive. In summary, the available evidence is currently insufficient to determine the role of this variant in disease. Therefore, it has been classified as a Variant of Uncertain Significance.